The following is an entry in ClinVar:

NM_001620.3(AHNAK):c.12039T>C (p.Pro4013=)

Gene: AHNAK (AHNAK nucleoprotein; minus strand). Cytogenetic location: 11q12.3.
Variant type: single nucleotide variant.
Coding change: c.12039T>C on transcript NM_001620.3 (MANE Select); coding-DNA position 12039, T replaced by C.
Protein change: p.Pro4013=; no amino-acid change (proline 4013 retained).
Molecular consequence: synonymous variant. On other transcripts: intron variant (1).
Genome position (GRCh38, 1-based): chr11:62,522,378, A>G on the plus strand (T>C on the coding strand, the complement: AHNAK is on the minus strand). VCF-style: chr11-62522378-A-G. GRCh37 (hg19) VCF-style: chr11-62289850-A-G.
Other names: c.342+12625T>C (NM_024060.4); c.12039T>C, p.Pro4013= (NM_001346445.2, NM_001346446.2).
Identifiers: ClinVar variation 2641867 (VCV002641867.24), dbSNP rs1304473362, ClinGen allele CA475119370.

ClinVar aggregate classification (germline): Likely benign (1 of 4 stars; one submission).

Submission:

CeGaT Center for Human Genetics Tuebingen
Classification: Likely benign. Last evaluated: 2023-03-01. Review status: criteria provided, single submitter. Criteria: CeGaT Center For Human Genetics Tuebingen Variant Classification Criteria Version 2. Collection method: clinical testing. Allele origin: germline. Affected: yes. Observed: 1 variant allele.
Comment: AHNAK: BP4, BP7